The following is an entry in ClinVar:

ClinVar aggregate classification (germline): Uncertain significance. Review status: criteria provided, multiple submitters, no conflicts (2 of 4 stars). 3 submissions from 3 submitters: Uncertain significance (2). 1 of the submissions does not count toward it. Last evaluated 2024-05-24.

Conditions:
Renal hypomagnesemia 5 with ocular involvement. Also called: HYPOMAGNESEMIA 5, RENAL, WITH OR WITHOUT OCULAR INVOLVEMENT; FHHNC WITH SEVERE OCULAR INVOLVEMENT; HYPOMAGNESEMIA, FAMILIAL, WITH HYPERCALCIURIA, NEPHROCALCINOSIS, AND SEVERE OCULAR INVOLVEMENT; MACULAR COLOBOMA, BILATERAL, WITH HYPERCALCIURIA. Identifiers: Orphanet 2196, MedGen C4721891, MONDO:0009548, OMIM 248190.

Allele frequency attached by ClinVar (database versions not stated): gnomAD exomes below 0.00001; TOPMed below 0.00001; ExAC 0.00001; gnomAD 0.00001.
gnomAD v4.1: 3 of 1,612,634 alleles (0.00019%); highest among the groups gnomAD compares: South Asian, 0.0011%; no homozygotes.

Submissions (3):

Fulgent Genetics
Classification: Uncertain significance for Renal hypomagnesemia 5 with ocular involvement. Last evaluated: 2024-05-24. Review status: criteria provided, single submitter. Criteria: ACMG Guidelines, 2015. Collection method: clinical testing. Allele origin: germline.

Labcorp Genetics (formerly Invitae), Labcorp
Classification: Uncertain significance. Last evaluated: 2021-04-27. Review status: criteria provided, single submitter. Criteria: Invitae Variant Classification Sherloc (09022015). Collection method: clinical testing. Allele origin: germline.
Comment: In summary, the available evidence is currently insufficient to determine the role of this variant in disease. Therefore, it has been classified as a Variant of Uncertain Significance. Algorithms developed to predict the effect of sequence changes on RNA splicing suggest that this variant may create or strengthen a splice site, but this prediction has not been confirmed by published transcriptional studies. Algorithms developed to predict the effect of missense changes on protein structure and function are either unavailable or do not agree on the potential impact of this missense change (SIFT: "Deleterious"; PolyPhen-2: "Probably Damaging"; Align-GVGD: "Class C0"). This variant has not been reported in the literature in individuals with CLDN19-related conditions. ClinVar contains an entry for this variant (Variation ID: 64480). This variant is present in population databases (rs387907418, ExAC 0.007%). This sequence change replaces tryptophan with cysteine at codon 51 of the CLDN19 protein (p.Trp51Cys). The tryptophan residue is highly conserved and there is a large physicochemical difference between tryptophan and cysteine.

Martin Pollak Laboratory,  Beth Israel Deaconess Medical Center
Classification: Uncertain significance. Review status: no assertion criteria provided. Collection method: not provided. Allele origin: unknown. Not counted in ClinVar's aggregate classification.
Comment: Higher UCa2+ group
ClinVar note: Converted during submission from unknown to Uncertain significance.

NM_148960.3(CLDN19):c.153G>T (p.Trp51Cys)

Gene: CLDN19 (claudin 19; minus strand). Cytogenetic location: 1p34.2.
Variant type: single nucleotide variant.
Coding change: c.153G>T on transcript NM_148960.3 (MANE Select); coding-DNA position 153, G replaced by T.
Protein change: p.Trp51Cys; replaces tryptophan 51 with cysteine.
Molecular consequence: missense variant.
Genome position (GRCh38, 1-based): chr1:42,739,911, C>A on the plus strand (G>T on the coding strand, the complement: CLDN19 is on the minus strand). VCF-style: chr1-42739911-C-A. GRCh37 (hg19) VCF-style: chr1-43205582-C-A.
Other names: c.153G>T, p.Trp51Cys (NM_001123395.2, NM_001185117.2); short protein forms W51C.
Identifiers: ClinVar variation 64480 (VCV000064480.10), dbSNP rs387907418, ClinGen allele CA216236.
Genomic context (GRCh38, chr1:42,739,911, plus strand): 5'-GAGCAGCGAGTCGTAGAGCTTGCACTGCACTTGCCCAGTGCTCTGGGAGGCGCAGGACAT[C>A]CAGAGCCCTTCATAGAGGCCCACGGCAGTGATGATGGCGTCGCCTGCGTAGGAAGACTGC-3'
Protein context (NP_683763.2, residues 41-61): ITAVGLYEGL[Trp51Cys]MSCASQSTGQ